The following is an entry in ClinVar:

NM_005869.4(CWC27):c.878C>T (p.Thr293Ile)

Gene: CWC27 (CWC27 spliceosome associated cyclophilin; plus strand). Cytogenetic location: 5q12.3.
Variant type: single nucleotide variant.
Coding change: c.878C>T on transcript NM_005869.4 (MANE Select); coding-DNA position 878, C replaced by T.
Protein change: p.Thr293Ile; replaces threonine 293 with isoleucine.
Molecular consequence: missense variant.
Genome position (GRCh38, 1-based): chr5:64,804,326, C>T. VCF-style: chr5-64804326-C-T. GRCh37 (hg19) VCF-style: chr5-64100153-C-T.
Other names: c.878C>T, p.Thr293Ile (NM_001297644.1, NM_001297645.2, NM_001318000.2 and 1 more transcripts); short protein forms T293I.
Identifiers: ClinVar variation 2841850 (VCV002841850.3), dbSNP rs551945418, ClinGen allele CA359833710.
Genomic context (GRCh38, chr5:64,804,326, plus strand): 5'-TTGATGGTGATGAAAAGAACCTGATGAGAGAAAGAATTGCCAAAAAATTAAAAAAGGACA[C>T]AAGTGCGAATGTTAAATCAGCTGGAGAAGGAGAAGTGGAGAAGAAATCAGTCAGCCGCAG-3'
Protein context (NP_005860.2, residues 283-303): ERIAKKLKKD[Thr293Ile]SANVKSAGEG

ClinVar aggregate classification (germline): Uncertain significance (1 of 4 stars; one submission).

Submission:

Labcorp Genetics (formerly Invitae), Labcorp
Classification: Uncertain significance. Last evaluated: 2023-03-01. Review status: criteria provided, single submitter. Criteria: Invitae Variant Classification Sherloc (09022015). Collection method: clinical testing. Allele origin: germline.
Comment: This variant is not present in population databases (gnomAD no frequency). This variant has not been reported in the literature in individuals affected with CWC27-related conditions. An algorithm developed to predict the effect of missense changes on protein structure and function (PolyPhen-2) suggests that this variant is likely to be tolerated. In summary, the available evidence is currently insufficient to determine the role of this variant in disease. Therefore, it has been classified as a Variant of Uncertain Significance. This sequence change replaces threonine, which is neutral and polar, with isoleucine, which is neutral and non-polar, at codon 293 of the CWC27 protein (p.Thr293Ile).